The following is an entry in ClinVar:

NM_000466.3(PEX1):c.722C>G (p.Ser241Ter)

Gene: PEX1 (peroxisomal biogenesis factor 1; minus strand). Cytogenetic location: 7q21.2.
Variant type: single nucleotide variant.
Coding change: c.722C>G on transcript NM_000466.3 (MANE Select); coding-DNA position 722, C replaced by G.
Protein change: p.Ser241Ter; replaces serine 241 with a stop codon.
Molecular consequence: nonsense.
Genome position (GRCh38, 1-based): chr7:92,517,793, G>C on the plus strand (C>G on the coding strand, the complement: PEX1 is on the minus strand). VCF-style: chr7-92517793-G-C. GRCh37 (hg19) VCF-style: chr7-92147107-G-C.
Other names: c.722C>G, p.Ser241Ter (NM_001282677.2); c.98C>G, p.Ser33Ter (NM_001282678.2); short protein forms S241*, S33*.
Identifiers: ClinVar variation 5013368 (VCV005013368.1).

ClinVar aggregate classification (germline): Pathogenic (1 of 4 stars; one submission).

Conditions:
Peroxisome biogenesis disorder. Identifiers: Orphanet 79189, MedGen C1832200, MONDO:0019234. Disease mechanism: loss of function.

Submission:

Myriad Genetics, Inc.
Classification: Pathogenic for Peroxisome biogenesis disorder. Last evaluated: 2024-07-25. Review status: criteria provided, single submitter. Criteria: Myriad Autosomal Dominant, Autosomal Recessive and X-Linked Classification Criteria (2023). Collection method: clinical testing. Allele origin: unknown.
Comment: NM_000466.2(PEX1):c.722C>G(S241*) is expected to be pathogenic in the context of peroxisome biogenesis disorder type 1. This variant is predicted to lead to an abnormal or absent protein product due to the creation of a premature termination codon in PEX1, a gene where loss-of-function variants are known to be pathogenic. Please note: this variant was assessed in the context of healthy population screening.